The following is an entry in ClinVar:

ClinVar aggregate classification (germline): Uncertain significance (1 of 4 stars; one submission).

Submission:

GeneDx
Classification: Uncertain significance. Last evaluated: 2019-08-13. Review status: criteria provided, single submitter. Criteria: GeneDx Variant Classification Process June 2021. Collection method: clinical testing. Allele origin: germline. Affected: yes.
Comment: Not observed in large population cohorts (Lek et al., 2016); In silico analysis, which includes protein predictors and evolutionary conservation, supports that this variant does not alter protein structure/function; Has not been previously published as pathogenic or benign to our knowledge

NM_001303256.3(MORC2):c.2449G>A (p.Val817Met)

Gene: MORC2 (MORC family CW-type zinc finger 2; minus strand). Cytogenetic location: 22q12.2.
Variant type: single nucleotide variant.
Coding change: c.2449G>A on transcript NM_001303256.3 (MANE Select); coding-DNA position 2449, G replaced by A.
Protein change: p.Val817Met; replaces valine 817 with methionine.
Molecular consequence: missense variant.
Genome position (GRCh38, 1-based): chr22:30,932,962, C>T on the plus strand (G>A on the coding strand, the complement: MORC2 is on the minus strand). VCF-style: chr22-30932962-C-T. GRCh37 (hg19) VCF-style: chr22-31328949-C-T.
Other names: c.2449G>A, p.Val817Met (NM_001303257.2); c.2263G>A, p.Val755Met (NM_014941.3); short protein forms V755M, V817M.
Identifiers: ClinVar variation 1318458 (VCV001318458.2), dbSNP rs752066714, ClinGen allele CA411232339.